The following is an entry in ClinVar:

NM_007294.4(BRCA1):c.563A>T (p.Glu188Val)

Gene: BRCA1 (BRCA1 DNA repair associated; minus strand). Cytogenetic location: 17q21.31.
Variant type: single nucleotide variant.
Coding change: c.563A>T on transcript NM_007294.4 (MANE Select); coding-DNA position 563, A replaced by T.
Protein change: p.Glu188Val; replaces glutamic acid 188 with valine.
Molecular consequence: missense variant. On other transcripts: intron variant (115).
Genome position (GRCh38, 1-based): chr17:43,097,274, T>A on the plus strand (A>T on the coding strand, the complement: BRCA1 is on the minus strand). VCF-style: chr17-43097274-T-A. GRCh37 (hg19) VCF-style: chr17-41249291-T-A.
Other names: c.560A>T, p.Glu187Val (NM_001407612.1, NM_001407613.1, NM_001407614.1 and 41 more transcripts); c.563A>T, p.Glu188Val (NM_001407616.1, NM_001407617.1, NM_001407618.1 and 58 more transcripts); c.485A>T, p.Glu162Val (NM_001407655.1, NM_001407656.1, NM_001407657.1 and 9 more transcripts); c.482A>T, p.Glu161Val (NM_001407659.1, NM_001407660.1, NM_001407661.1 and 3 more transcripts); c.422A>T, p.Glu141Val (NM_001407727.1, NM_001407728.1, NM_001407729.1 and 43 more transcripts); c.419A>T, p.Glu140Val (NM_001407746.1, NM_001407747.1, NM_001407748.1 and 26 more transcripts); c.350A>T, p.Glu117Val (NM_001407853.1, NM_001408490.1, NM_001408491.1 and 12 more transcripts); c.353A>T, p.Glu118Val (NM_001407879.1, NM_001407881.1, NM_001408483.1 and 27 more transcripts); and 17 more; short protein forms E117V, E118V, E140V, E141V, E143V, E161V, E162V, E185V.
Identifiers: ClinVar variation 3340072 (VCV003340072.3).
Genomic context (GRCh38, chr17:43,097,274, plus strand): 5'-CTTCATAGACAAAGGTTCTCTTTGACTCACCTGCAATAAGTTGCCTTATTAACGGTATCT[T>A]CAGAAGAATCAGATCCTAAAAAATTTCCCCCCAAAAAATAAATCAATAAAAGTTTTCTTA-3'
Protein context (NP_009225.1, residues 178-198): VYIELGSDSS[Glu188Val]DTVNKATYCS

ClinVar aggregate classification (germline): Uncertain significance. Review status: criteria provided, multiple submitters, no conflicts (2 of 4 stars). 2 submissions from 2 submitters: Uncertain significance (2). Last evaluated 2025-04-11.

Conditions:
Hereditary cancer-predisposing syndrome. Also called: Neoplastic Syndromes, Hereditary; Tumor predisposition; Hereditary Cancer Syndrome; Hereditary neoplastic syndrome. Identifiers: Orphanet 140162, MedGen C0027672, MeSH D009386, MONDO:0015356.
Breast-ovarian cancer, familial, susceptibility to, 1 (BROVCA1). Also called: BRCA1 Hereditary Breast and Ovarian Cancer; OVARIAN CANCER, SUSCEPTIBILITY TO. Identifiers: Orphanet 145, MedGen C2676676, MONDO:0011450, OMIM 604370. Disease mechanism: loss of function.

Submissions (2):

Ambry Genetics
Classification: Uncertain significance for Hereditary cancer-predisposing syndrome. Last evaluated: 2025-04-11. Review status: criteria provided, single submitter. Criteria: Ambry Variant Classification Scheme 2023. Collection method: clinical testing. Allele origin: germline.
Comment: The p.E188V variant (also known as c.563A>T), located in coding exon 7 of the BRCA1 gene, results from an A to T substitution at nucleotide position 563. The glutamic acid at codon 188 is replaced by valine, an amino acid with dissimilar properties. This amino acid position is highly conserved in available vertebrate species. In addition, this alteration is predicted to be deleterious by in silico analysis. Based on the available evidence, the clinical significance of this variant remains unclear.

KCCC/NGS Laboratory, Kuwait Cancer Control Center
Classification: Uncertain significance for Breast-ovarian cancer, familial, susceptibility to, 1. Last evaluated: 2024-09-09. Review status: criteria provided, single submitter. Criteria: ACMG Guidelines, 2015. Collection method: clinical testing. Allele origin: germline. Inheritance: Autosomal dominant inheritance. Affected: yes. Observed: 1 heterozygote.
Comment: This sequence change replaces glutamic , with valin at codon 188 of the BRCA1 protein (p.Glu188VAL). This variant is not present in population databases (gnomAD no frequency). This variant has not been reported in the literature in individuals affected with BRCA1-related conditions. This variant not reported in ClinVar database .This amino acid position is highly conserved (PhyloP=4.52). In addition, this alteration is predicted to be deleterious by in silico analysis. In summary, the available evidence is currently insufficient to determine the role of this variant in disease. Therefore, it has been classified as a Variant of Uncertain Significance